The following is an entry in ClinVar:

ClinVar aggregate classification (germline): Uncertain significance (1 of 4 stars; one submission).

Conditions:
Atrial fibrillation, familial, 18 (ATFB18). Identifiers: MedGen C4310636, MONDO:0015001, OMIM 617280.

Allele frequency attached by ClinVar (database versions not stated): ExAC 0.00001.
gnomAD v4.1: 2 of 1,614,144 alleles (0.00012%); highest among the groups gnomAD compares: African/African-American, 0.0013%; no homozygotes.

Submission:

Labcorp Genetics (formerly Invitae), Labcorp
Classification: Uncertain significance for Atrial fibrillation, familial, 18. Last evaluated: 2022-05-21. Review status: criteria provided, single submitter. Criteria: Invitae Variant Classification Sherloc (09022015). Collection method: clinical testing. Allele origin: germline.
Comment: This sequence change replaces lysine, which is basic and polar, with glutamic acid, which is acidic and polar, at codon 35 of the MYL4 protein (p.Lys35Glu). This variant is present in population databases (rs750529340, gnomAD 0.003%). This variant has not been reported in the literature in individuals affected with MYL4-related conditions. Algorithms developed to predict the effect of missense changes on protein structure and function are either unavailable or do not agree on the potential impact of this missense change (SIFT: "Deleterious"; PolyPhen-2: "Not Available"; Align-GVGD: "Class C0"). In summary, the available evidence is currently insufficient to determine the role of this variant in disease. Therefore, it has been classified as a Variant of Uncertain Significance.

NM_002476.2(MYL4):c.103A>G (p.Lys35Glu)

Gene: MYL4 (myosin light chain 4; plus strand). Cytogenetic location: 17q21.32.
Variant type: single nucleotide variant.
Coding change: c.103A>G on transcript NM_002476.2 (MANE Select); coding-DNA position 103, A replaced by G.
Protein change: p.Lys35Glu; replaces lysine 35 with glutamic acid.
Molecular consequence: missense variant.
Genome position (GRCh38, 1-based): chr17:47,209,525, A>G. VCF-style: chr17-47209525-A-G. GRCh37 (hg19) VCF-style: chr17-45286891-A-G.
Other names: c.103A>G, p.Lys35Glu (NM_001002841.2); short protein forms K35E.
Identifiers: ClinVar variation 1997181 (VCV001997181.4), dbSNP rs750529340, ClinGen allele CA8622565.